The following is an entry in ClinVar:

NC_012920.1(MT-CO1):m.6465G>A

Gene: MT-CO1 (mitochondrially encoded cytochrome c oxidase I; plus strand).
Variant type: single nucleotide variant.
Genome position: chrM-6465-G-A.
Identifiers: ClinVar variation 692651 (VCV000692651.1), dbSNP rs28414181, ClinGen allele CA414784176.

ClinVar aggregate classification (germline): Benign (1 of 4 stars; one submission).

Conditions:
Leigh syndrome (NULS). Also called: Leigh's necrotizing encephalopathy; Leigh's disease; Leigh Syndrome (mtDNA deletion); Leigh Disease; Subacute necrotizing encephalopathy; Necrotizing encephalopathy infantile subacute of Leigh. Identifiers: Orphanet 506, MedGen C2931891, MONDO:0009723, OMIM 256000.

Submission:

Wong Mito Lab, Molecular and Human Genetics, Baylor College of Medicine
Classification: Benign for Leigh syndrome. Last evaluated: 2019-10-17. Review status: criteria provided, single submitter. Criteria: Modified ACMG Guidelines (Unpublished). Collection method: clinical testing. Allele origin: germline.
Comment: The NC_012920.1:m.6465G>A (YP_003024028.1:p.Val188Ile) variant in MTCO1 gene is interpretated to be a Benign variant based on the modified ACMG guidelines (unpublished). This variant meets the following evidence codes: BS1, BS2